The following is an entry in ClinVar:

NM_001099287.2(NIPAL4):c.479T>A (p.Leu160Gln)

Gene: NIPAL4 (NIPA like domain containing 4; plus strand). Cytogenetic location: 5q33.3.
Variant type: single nucleotide variant.
Coding change: c.479T>A on transcript NM_001099287.2 (MANE Select); coding-DNA position 479, T replaced by A.
Protein change: p.Leu160Gln; replaces leucine 160 with glutamine.
Molecular consequence: missense variant.
Genome position (GRCh38, 1-based): chr5:157,471,710, T>A. VCF-style: chr5-157471710-T-A. GRCh37 (hg19) VCF-style: chr5-156898718-T-A.
Other names: c.422T>A, p.Leu141Gln (NM_001172292.2); short protein forms L141Q, L160Q.
Identifiers: ClinVar variation 2663217 (VCV002663217.1), dbSNP rs2532904973, ClinGen allele CA361972525.

ClinVar aggregate classification (germline): Uncertain significance (1 of 4 stars; one submission).

Allele frequency attached by ClinVar (database versions not stated): gnomAD exomes below 0.00001.
gnomAD v4.1: 2 of 1,608,438 alleles (0.00012%); highest among the groups gnomAD compares: Non-Finnish European, 0.000085%; no homozygotes.

Submission:

GeneDx
Classification: Uncertain significance. Last evaluated: 2023-04-29. Review status: criteria provided, single submitter. Criteria: GeneDx Variant Classification Process June 2021. Collection method: clinical testing. Allele origin: germline. Affected: yes.
Comment: Not observed at significant frequency in large population cohorts (gnomAD); In silico analysis supports that this missense variant has a deleterious effect on protein structure/function; Has not been previously published as pathogenic or benign to our knowledge